The following is an entry in ClinVar:

ClinVar aggregate classification (germline): Uncertain significance. Review status: criteria provided, multiple submitters, no conflicts (2 of 4 stars). 3 submissions from 3 submitters: Uncertain significance (3). Last evaluated 2024-03-06.

Conditions:
Cardiovascular phenotype. Identifiers: MedGen CN230736.
Familial thoracic aortic aneurysm and aortic dissection (TAAD). Also called: Thoracic aortic aneurysms and dissections. Identifiers: Orphanet 91387, MedGen C4707243, MONDO:0019625.

Submissions (3):

Color Diagnostics, LLC DBA Color Health
Classification: Uncertain significance for Familial thoracic aortic aneurysm and aortic dissection. Last evaluated: 2024-03-06. Review status: criteria provided, single submitter. Criteria: ACMG Guidelines, 2015. Collection method: clinical testing. Allele origin: germline.
Comment: This missense variant replaces isoleucine with valine at codon 1127 of the MYH11 protein. Computational prediction suggests that this variant may not impact protein structure and function (internally defined REVEL score threshold <= 0.5, PMID: 27666373). To our knowledge, functional studies have not been reported for this variant. This variant has not been reported in individuals affected with cardiovascular disorders in the literature. This variant has not been identified in the general population by the Genome Aggregation Database (gnomAD). The available evidence is insufficient to determine the role of this variant in disease conclusively. Therefore, this variant is classified as a Variant of Uncertain Significance.

All of Us Research Program, National Institutes of Health
Classification: Uncertain significance for Familial thoracic aortic aneurysm and aortic dissection. Last evaluated: 2023-12-01. Review status: criteria provided, single submitter. Criteria: ACMG Guidelines, 2015. Collection method: clinical testing. Allele origin: germline. Inheritance: Autosomal dominant inheritance. Observed: 2 variant alleles, 2 heterozygotes.
Comment: This missense variant replaces isoleucine with valine at codon 1127 of the MYH11 protein. Computational prediction suggests that this variant may not impact protein structure and function (internally defined REVEL score threshold <= 0.5, PMID: 27666373). To our knowledge, functional studies have not been reported for this variant. This variant has not been reported in individuals affected with cardiovascular disorders in the literature. This variant has not been identified in the general population by the Genome Aggregation Database (gnomAD). The available evidence is insufficient to determine the role of this variant in disease conclusively. Therefore, this variant is classified as a Variant of Uncertain Significance.

This study involves interpretation of variants in research participants for the purpose of population health screening. Participant phenotype was not available at the time of variant classification. Additional details can be found in publication PMID: 35346344, PMCID: PMC8962531

Ambry Genetics
Classification: Uncertain significance for Cardiovascular phenotype. Last evaluated: 2016-05-19. Review status: criteria provided, single submitter. Criteria: Ambry Autosomal Dominant and X-Linked criteria (10/2015). Collection method: clinical testing. Allele origin: germline. Observed: 1 variant allele.
Comment: The p.I1120V variant (also known as c.3358A>G), located in coding exon 25 of the MYH11 gene, results from an A to G substitution at nucleotide position 3358. The isoleucine at codon 1120 is replaced by valine, an amino acid with highly similar properties. This variant was not reported in population based cohorts in the following databases: Database of Single Nucleotide Polymorphisms (dbSNP), NHLBI Exome Sequencing Project (ESP), and 1000 Genomes Project. In the ESP, this variant was not observed in 6497 samples (12994 alleles) with coverage at this position. This amino acid position is well conserved in available vertebrate species. In addition, this alteration is predicted to be tolerated by in silico analysis.Since supporting evidence is limited at this time, the clinical significance of this alteration remains unclear.

NM_002474.3(MYH11):c.3358A>G (p.Ile1120Val)

Gene: MYH11 (myosin heavy chain 11; minus strand). Cytogenetic location: 16p13.11.
Variant type: single nucleotide variant.
Coding change: c.3358A>G on transcript NM_002474.3 (MANE Select); coding-DNA position 3358, A replaced by G.
Protein change: p.Ile1120Val; replaces isoleucine 1120 with valine.
Molecular consequence: missense variant.
Genome position (GRCh38, 1-based): chr16:15,735,514, T>C on the plus strand (A>G on the coding strand, the complement: MYH11 is on the minus strand). VCF-style: chr16-15735514-T-C. GRCh37 (hg19) VCF-style: chr16-15829371-T-C.
Other names: c.3379A>G, p.Ile1127Val (NM_001040113.2, NM_001040114.2); c.3358A>G, p.Ile1120Val (NM_022844.3); short protein forms I1120V, I1127V.
Identifiers: ClinVar variation 263400 (VCV000263400.6), dbSNP rs886038788, ClinGen allele CA10587889.